The following is an entry in ClinVar:

NM_002661.5(PLCG2):c.466A>T (p.Thr156Ser)

Gene: PLCG2 (phospholipase C gamma 2; plus strand). Cytogenetic location: 16q23.3.
Variant type: single nucleotide variant.
Coding change: c.466A>T on transcript NM_002661.5 (MANE Select); coding-DNA position 466, A replaced by T.
Protein change: p.Thr156Ser; replaces threonine 156 with serine.
Molecular consequence: missense variant.
Genome position (GRCh38, 1-based): chr16:81,859,150, A>T. VCF-style: chr16-81859150-A-T. GRCh37 (hg19) VCF-style: chr16-81892755-A-T.
Other names: short protein forms T156S.
Identifiers: ClinVar variation 938284 (VCV000938284.9), dbSNP rs1906834407, ClinGen allele CA396901770.

ClinVar aggregate classification (germline): Uncertain significance (1 of 4 stars; one submission).

Conditions:
Familial cold autoinflammatory syndrome 3 (FCAS3). Also called: ANTIBODY DEFICIENCY AND IMMUNE DYSREGULATION, PLCG2-ASSOCIATED; FAMILIAL ATYPICAL COLD URTICARIA. Identifiers: Orphanet 300359, MedGen C3280914, MONDO:0013766, OMIM 614468.

Allele frequency attached by ClinVar (database versions not stated): TOPMed below 0.00001; gnomAD exomes 0.00001.
gnomAD v4.1: 4 of 1,594,472 alleles (0.00025%); highest among the groups gnomAD compares: Non-Finnish European, 0.00034%; no homozygotes.

Submission:

Labcorp Genetics (formerly Invitae), Labcorp
Classification: Uncertain significance for Familial cold autoinflammatory syndrome 3. Last evaluated: 2019-10-20. Review status: criteria provided, single submitter. Criteria: Invitae Variant Classification Sherloc (09022015). Collection method: clinical testing. Allele origin: germline.
Comment: In summary, the available evidence is currently insufficient to determine the role of this variant in disease. Therefore, it has been classified as a Variant of Uncertain Significance. Algorithms developed to predict the effect of missense changes on protein structure and function (SIFT, PolyPhen-2, Align-GVGD) all suggest that this variant is likely to be tolerated, but these predictions have not been confirmed by published functional studies and their clinical significance is uncertain. This variant has not been reported in the literature in individuals with PLCG2-related conditions. This variant is not present in population databases (ExAC no frequency). This sequence change replaces threonine with serine at codon 156 of the PLCG2 protein (p.Thr156Ser). The threonine residue is moderately conserved and there is a small physicochemical difference between threonine and serine.